The following is an entry in ClinVar:

ClinVar aggregate classification (germline): Uncertain significance. Review status: criteria provided, multiple submitters, no conflicts (2 of 4 stars). 2 submissions from 2 submitters: Uncertain significance (2). Last evaluated 2025-12-17.

Conditions:
Cardiovascular phenotype. Identifiers: MedGen CN230736.
Atrial fibrillation, familial, 14 (ATFB14). Identifiers: MedGen C3809312, MONDO:0014156, OMIM 615378.

Submissions (2):

Labcorp Genetics (formerly Invitae), Labcorp
Classification: Uncertain significance for Atrial fibrillation, familial, 14. Last evaluated: 2025-12-17. Review status: criteria provided, single submitter. Criteria: Invitae Variant Classification Sherloc (09022015). Collection method: clinical testing. Allele origin: germline.
Comment: This sequence change replaces glycine, which is neutral and non-polar, with serine, which is neutral and polar, at codon 208 of the SCN2B protein (p.Gly208Ser). This variant is not present in population databases (gnomAD no frequency). This variant has not been reported in the literature in individuals affected with SCN2B-related conditions. ClinVar contains an entry for this variant (Variation ID: 1378025). An algorithm developed to predict the effect of missense changes on protein structure and function (PolyPhen-2) suggests that this variant is likely to be disruptive. In summary, the available evidence is currently insufficient to determine the role of this variant in disease. Therefore, it has been classified as a Variant of Uncertain Significance.

Ambry Genetics
Classification: Uncertain significance for Cardiovascular phenotype. Last evaluated: 2024-01-03. Review status: criteria provided, single submitter. Criteria: Ambry Variant Classification Scheme 2023. Collection method: clinical testing. Allele origin: germline.
Comment: The p.G208S variant (also known as c.622G>A), located in coding exon 4 of the SCN2B gene, results from a G to A substitution at nucleotide position 622. The glycine at codon 208 is replaced by serine, an amino acid with similar properties. This amino acid position is conserved. In addition, the in silico prediction for this alteration is inconclusive. Since supporting evidence is limited at this time, the clinical significance of this alteration remains unclear.

NM_004588.5(SCN2B):c.622G>A (p.Gly208Ser)

Gene: SCN2B (sodium voltage-gated channel beta subunit 2; minus strand). Cytogenetic location: 11q23.3.
Variant type: single nucleotide variant.
Coding change: c.622G>A on transcript NM_004588.5 (MANE Select); coding-DNA position 622, G replaced by A.
Protein change: p.Gly208Ser; replaces glycine 208 with serine.
Molecular consequence: missense variant.
Genome position (GRCh38, 1-based): chr11:118,166,913, C>T on the plus strand (G>A on the coding strand, the complement: SCN2B is on the minus strand). VCF-style: chr11-118166913-C-T. GRCh37 (hg19) VCF-style: chr11-118037628-C-T.
Other names: c.622G>A (NM_004588.4); short protein forms G208S.
Identifiers: ClinVar variation 1378025 (VCV001378025.7), dbSNP rs1024654954, ClinGen allele CA229505607.